The following is an entry in ClinVar:

ClinVar aggregate classification (germline): Benign (1 of 4 stars; one submission).

Conditions:
Fraser syndrome 1 (FRASRS1). Also called: CRYPTOPHTHALMOS WITH OTHER MALFORMATIONS. Identifiers: Orphanet 2052, MedGen C4551480, MONDO:0054737, OMIM 219000.

Allele frequency attached by ClinVar (database versions not stated): gnomAD 0.01608 and 0.01731; 1000 Genomes Project 0.01717; TOPMed 0.01784; 1000 Genomes Project 30x 0.01811.

Submissions (6):

Illumina Laboratory Services, Illumina
Classification: Benign for Fraser syndrome 1. Last evaluated: 2018-01-13. Review status: criteria provided, single submitter. Criteria: ICSL Variant Classification Criteria 13 December 2019. Collection method: clinical testing. Allele origin: germline.
Comment: This variant was observed in the ICSL laboratory as part of a predisposition screen in an ostensibly healthy population. It had not been previously curated by ICSL or reported in the Human Gene Mutation Database (HGMD: prior to June 1st, 2018), and was therefore a candidate for classification through an automated scoring system. Utilizing variant allele frequency, disease prevalence and penetrance estimates, and inheritance mode, an automated score was calculated to assess if this variant is too frequent to cause the disease. Based on the score and internal cut-off values, a variant classified as benign is not then subjected to further curation. The score for this variant resulted in a classification of benign for this disease.

Dr. Peter K. Rogan Lab, Western University
No classification provided (evidence only). Condition: Uterine corpus endometrial carcinoma. Review status: no classification provided. Collection method: in vitro. Allele origin: not applicable. Functional consequence: retained intron. Not counted in ClinVar's aggregate classification.

Dr. Peter K. Rogan Lab, Western University
No classification provided (evidence only). Condition: Uterine corpus endometrial carcinoma. Review status: no classification provided. Collection method: in vitro. Allele origin: not applicable. Functional consequence: retained intron. Not counted in ClinVar's aggregate classification.

Dr. Peter K. Rogan Lab, Western University
No classification provided (evidence only). Condition: Uterine corpus endometrial carcinoma. Review status: no classification provided. Collection method: in vitro. Allele origin: not applicable. Functional consequence: retained intron. Not counted in ClinVar's aggregate classification.

Dr. Peter K. Rogan Lab, Western University
No classification provided (evidence only). Condition: Uterine corpus endometrial carcinoma. Review status: no classification provided. Collection method: in vitro. Allele origin: not applicable. Functional consequence: retained intron. Not counted in ClinVar's aggregate classification.

Dr. Peter K. Rogan Lab, Western University
No classification provided (evidence only). Condition: Cervical cancer. Review status: no classification provided. Collection method: in vitro. Allele origin: not applicable. Functional consequence: retained intron. Not counted in ClinVar's aggregate classification.

NM_025074.7(FRAS1):c.*1289G>A

Gene: FRAS1 (Fraser extracellular matrix complex subunit 1; plus strand). Cytogenetic location: 4q21.21.
Variant type: single nucleotide variant.
Coding change: c.*1289G>A on transcript NM_025074.7 (MANE Select); 1289 bases downstream of the stop codon, G replaced by A.
Molecular consequence: 3 prime UTR variant.
Genome position (GRCh38, 1-based): chr4:78,542,413, G>A. VCF-style: chr4-78542413-G-A. GRCh37 (hg19) VCF-style: chr4-79463567-G-A.
Other names: NC_000004.11:g.79463567G>A.
Identifiers: ClinVar variation 349847 (VCV000349847.6), dbSNP rs113324102, ClinGen allele CA10619334.